The following is an entry in ClinVar:

ClinVar aggregate classification (germline): Uncertain significance (1 of 4 stars; one submission).

gnomAD v4.1: 1 of 1,614,042 alleles (0.000062%); highest among the groups gnomAD compares: African/African-American, 0.0013%; no homozygotes.

Submission:

Labcorp Genetics (formerly Invitae), Labcorp
Classification: Uncertain significance. Last evaluated: 2025-01-20. Review status: criteria provided, single submitter. Criteria: Invitae Variant Classification Sherloc (09022015). Collection method: clinical testing. Allele origin: germline.
Comment: This sequence change replaces threonine, which is neutral and polar, with serine, which is neutral and polar, at codon 85 of the RP1 protein (p.Thr85Ser). This variant is not present in population databases (gnomAD no frequency). This variant has not been reported in the literature in individuals affected with RP1-related conditions. An algorithm developed to predict the effect of missense changes on protein structure and function (PolyPhen-2) suggests that this variant is likely to be disruptive. In summary, the available evidence is currently insufficient to determine the role of this variant in disease. Therefore, it has been classified as a Variant of Uncertain Significance.

NM_006269.2(RP1):c.254C>G (p.Thr85Ser)

Gene: RP1 (RP1 axonemal microtubule associated; plus strand). Cytogenetic location: 8q12.1.
Variant type: single nucleotide variant.
Coding change: c.254C>G on transcript NM_006269.2 (MANE Select); coding-DNA position 254, C replaced by G.
Protein change: p.Thr85Ser; replaces threonine 85 with serine.
Molecular consequence: missense variant.
Genome position (GRCh38, 1-based): chr8:54,621,220, C>G. VCF-style: chr8-54621220-C-G. GRCh37 (hg19) VCF-style: chr8-55533780-C-G.
Other names: c.254C>G, p.Thr85Ser (NM_001375654.1); short protein forms T85S.
Identifiers: ClinVar variation 3668446 (VCV003668446.2).
Genomic context (GRCh38, chr8:54,621,220, plus strand): 5'-CTCTGCTGGATAACTTGTCCAGGAAGGTGCCCCTCCCTTTTGGAGTGAGGAACATCAGCA[C>G]CCCTCGGGGCAGGCACAGCATCACGCGCCTGGAGGAGCTGGAGGACGGCGAGTCCTACCT-3'
Protein context (NP_006260.1, residues 75-95): PLPFGVRNIS[Thr85Ser]PRGRHSITRL